The following is an entry in ClinVar:

NM_015602.4(TOR1AIP1):c.143C>T (p.Pro48Leu)

Genes: TOR1AIP1 (torsin 1A interacting protein 1; plus strand), LOC112577517 (Sharpr-MPRA regulatory region 13766; plus strand). Cytogenetic location: 1q25.2.
Variant type: single nucleotide variant.
Coding change: c.143C>T on transcript NM_015602.4 (MANE Select); coding-DNA position 143, C replaced by T.
Protein change: p.Pro48Leu; replaces proline 48 with leucine.
Molecular consequence: missense variant.
Genome position (GRCh38, 1-based): chr1:179,882,645, C>T. VCF-style: chr1-179882645-C-T. GRCh37 (hg19) VCF-style: chr1-179851780-C-T.
Other names: c.143C>T, p.Pro48Leu (NM_001267578.2); short protein forms P48L.
Identifiers: ClinVar variation 4779787 (VCV004779787.1).
Genomic context (GRCh38, chr1:179,882,645, plus strand): 5'-GAAGGGGCCGGCTCGCCCCTCAAAATGGCGGCAGCAGCGATGCGCCTGCGTACAGAACTC[C>T]TCCGTCGCGCCAGGGCCGGCGGGAAGTGAGGTTCTCGGACGAGCCGCCAGAAGTGTACGG-3'
Protein context (NP_056417.2, residues 38-58): GSSDAPAYRT[Pro48Leu]PSRQGRREVR

ClinVar aggregate classification (germline): Uncertain significance (1 of 4 stars; one submission).

Conditions:
Autosomal recessive limb-girdle muscular dystrophy type 2Y (MRRSDC). Also called: Muscular dystrophy, autosomal recessive, with rigid spine and distal joint contractures; Muscular dystrophy, limb-girdle, type 2y. Identifiers: Orphanet 424261, MedGen C4511482, MONDO:0014900, OMIM 617072.

Submission:

Labcorp Genetics (formerly Invitae), Labcorp
Classification: Uncertain significance for Autosomal recessive limb-girdle muscular dystrophy type 2Y. Last evaluated: 2025-11-20. Review status: criteria provided, single submitter. Criteria: Invitae Variant Classification Sherloc (09022015). Collection method: clinical testing. Allele origin: germline.
Comment: This sequence change replaces proline, which is neutral and non-polar, with leucine, which is neutral and non-polar, at codon 48 of the TOR1AIP1 protein (p.Pro48Leu). This variant is present in population databases (rs753024261, gnomAD 0.01%). This variant has not been reported in the literature in individuals affected with TOR1AIP1-related conditions. An algorithm developed to predict the effect of missense changes on protein structure and function outputs the following: PolyPhen-2: "Benign". The leucine amino acid residue is found in multiple mammalian species, which suggests that this missense change does not adversely affect protein function. In summary, the available evidence is currently insufficient to determine the role of this variant in disease. Therefore, it has been classified as a Variant of Uncertain Significance.